The following is an entry in ClinVar:

NM_020987.5(ANK3):c.9571G>A (p.Ala3191Thr)

Gene: ANK3 (ankyrin 3; minus strand). Cytogenetic location: 10q21.2.
Variant type: single nucleotide variant.
Coding change: c.9571G>A on transcript NM_020987.5 (MANE Select); coding-DNA position 9571, G replaced by A.
Protein change: p.Ala3191Thr; replaces alanine 3191 with threonine.
Molecular consequence: missense variant. On other transcripts: intron variant (4).
Genome position (GRCh38, 1-based): chr10:60,071,310, C>T on the plus strand (G>A on the coding strand, the complement: ANK3 is on the minus strand). VCF-style: chr10-60071310-C-T. GRCh37 (hg19) VCF-style: chr10-61831068-C-T.
Other names: c.4388-3301G>A (NM_001204403.2); c.4409-3301G>A (NM_001204404.2); c.4406-3301G>A (NM_001320874.2); c.1808-3301G>A (NM_001149.4); short protein forms A3191T.
Identifiers: ClinVar variation 4882494 (VCV004882494.2).

ClinVar aggregate classification (germline): Uncertain significance (1 of 4 stars; one submission).

gnomAD v4.1: 7 of 1,614,104 alleles (0.00043%); highest among the groups gnomAD compares: East Asian, 0.0089%; no homozygotes.

Submission:

Dasa
Classification: Uncertain significance. Last evaluated: 2025-11-26. Review status: criteria provided, single submitter. Criteria: DASA Assertion Criteria. Collection method: clinical testing. Allele origin: germline.
Comment: NM_020987.5(ANK3):c.9571G>A (p.Ala3191Thr) is a missense variant that results in the substitution of alanine with threonine. This variant is rare in population databases. Computational prediction algorithms are consistent with a benign effect. The currently available literature and clinical evidence are not sufficient to establish a definitive association between this variant and the reported condition. Therefore, this variant is classified as a variant of uncertain significance.